The following is an entry in ClinVar:

ClinVar aggregate classification (germline): Uncertain significance. Review status: criteria provided, multiple submitters, no conflicts (2 of 4 stars). 3 submissions from 3 submitters: Uncertain significance (3). Last evaluated 2025-12-15.

Conditions:
Hereditary cancer-predisposing syndrome. Also called: Tumor predisposition; Hereditary neoplastic syndrome; Hereditary Cancer Syndrome; Neoplastic Syndromes, Hereditary. Identifiers: Orphanet 140162, MedGen C0027672, MeSH D009386, MONDO:0015356.
Ataxia-telangiectasia syndrome (AT). Also called: ATAXIA-TELANGIECTASIA, COMPLEMENTATION GROUP A; ATAXIA-TELANGIECTASIA, FRESNO VARIANT; Ataxia-telangiectasia; LOUIS-BAR SYNDROME; Ataxia-telangiectasia, complementation group E; Ataxia telangiectasia (A-T). Identifiers: Orphanet 100, MedGen C0004135, MONDO:0008840, OMIM 208900.

Submissions (3):

Ambry Genetics
Classification: Uncertain significance for Hereditary cancer-predisposing syndrome. Last evaluated: 2025-12-15. Review status: criteria provided, single submitter. Criteria: Ambry Variant Classification Scheme 2023. Collection method: clinical testing. Allele origin: germline.
Comment: The p.P1378A variant (also known as c.4132C>G), located in coding exon 27 of the ATM gene, results from a C to G substitution at nucleotide position 4132. The proline at codon 1378 is replaced by alanine, an amino acid with highly similar properties. This amino acid position is conserved. In addition, the in silico prediction for this alteration is inconclusive. Since supporting evidence is limited at this time, the clinical significance of this alteration remains unclear.

GeneDx
Classification: Uncertain significance. Last evaluated: 2022-09-12. Review status: criteria provided, single submitter. Criteria: GeneDx Variant Classification Process June 2021. Collection method: clinical testing. Allele origin: germline. Affected: yes.
Comment: Not observed at significant frequency in large population cohorts (gnomAD); In silico analysis supports that this missense variant has a deleterious effect on protein structure/function; Has not been previously published as pathogenic or benign to our knowledge; This variant is associated with the following publications: (PMID: 19781682)

Labcorp Genetics (formerly Invitae), Labcorp
Classification: Uncertain significance for Ataxia-telangiectasia syndrome. Last evaluated: 2019-07-31. Review status: criteria provided, single submitter. Criteria: Invitae Variant Classification Sherloc (09022015). Collection method: clinical testing. Allele origin: germline.
Comment: This variant has not been reported in the literature in individuals with ATM-related conditions. This variant is not present in population databases (ExAC no frequency). This sequence change replaces proline with alanine at codon 1378 of the ATM protein (p.Pro1378Ala). The proline residue is highly conserved and there is a small physicochemical difference between proline and alanine. Algorithms developed to predict the effect of missense changes on protein structure and function (SIFT, PolyPhen-2, Align-GVGD) all suggest that this variant is likely to be disruptive, but these predictions have not been confirmed by published functional studies and their clinical significance is uncertain. In summary, the available evidence is currently insufficient to determine the role of this variant in disease. Therefore, it has been classified as a Variant of Uncertain Significance.

NM_000051.4(ATM):c.4132C>G (p.Pro1378Ala)

Gene: ATM (ATM serine/threonine kinase; plus strand). Cytogenetic location: 11q22.3.
Variant type: single nucleotide variant.
Coding change: c.4132C>G on transcript NM_000051.4 (MANE Select); coding-DNA position 4132, C replaced by G.
Protein change: p.Pro1378Ala; replaces proline 1378 with alanine.
Molecular consequence: missense variant.
Genome position (GRCh38, 1-based): chr11:108,288,999, C>G. VCF-style: chr11-108288999-C-G. GRCh37 (hg19) VCF-style: chr11-108159726-C-G.
Other names: c.4132C>G, p.Pro1378Ala (NM_001351834.2); short protein forms P1378A.
Identifiers: ClinVar variation 964581 (VCV000964581.13), dbSNP rs1555096817, ClinGen allele CA382529856.